The following is an entry in ClinVar:

NM_001276345.2(TNNT2):c.508GAG[3] (p.Glu173del)

Gene: TNNT2 (troponin T2, cardiac type; minus strand). Cytogenetic location: 1q32.1.
Variant type: Microsatellite.
Coding change: c.508GAG[3] on transcript NM_001276345.2 (MANE Select); three copies in a row of the 3-base unit GAG starting at c.508; the reference has four copies in a row; one copy, 3 bases deleted; also written c.517_519del.
Protein change: p.Glu173del; deletes glutamic acid 173.
Molecular consequence: inframe deletion.
Genome position (GRCh38, 1-based): chr1:201,363,377-201,363,379, CTC deleted on the plus strand (GAG on the coding strand, the reverse complement: TNNT2 is on the minus strand); deleting any 3 consecutive bases within chr1:201,363,377-201,363,388 gives the same sequence; the position shown is the placement nearest the transcript's 3' end. VCF-style (leftmost placement, unchanged base first): chr1-201363376-TCTC-T. GRCh37 (hg19) VCF-style: chr1-201332504-TCTC-T.
Other names: c.487_489delGAG (NM_001001430.1); c.487_489del (NM_001001430.2); c.508GAG[3], p.Glu173del (NM_000364.4); c.478GAG[3], p.Glu163del (NM_001001430.3, NM_001001431.3, NM_001276347.2); c.463GAG[3], p.Glu158del (NM_001001432.3); c.388GAG[3], p.Glu133del (NM_001276346.2); c.517_519del (NM_001276345.2); short protein forms E163del, E173del, E133del, E158del.
Identifiers: ClinVar variation 43648 (VCV000043648.34), dbSNP rs397516470, ClinGen allele CA004651.

ClinVar aggregate classification (germline): Pathogenic/Likely pathogenic. Review status: criteria provided, multiple submitters, no conflicts (2 of 4 stars). 16 submissions from 16 submitters: Pathogenic (11); Likely pathogenic (2). 3 of the submissions do not count toward it. Last evaluated 2026-02-01.

Conditions:
TNNT2-related disorder. Also called: TNNT2-related condition.
Cardiovascular phenotype. Identifiers: MedGen CN230736.
Hypertrophic cardiomyopathy 2. Also called: TNNT2-Related Familial Hypertrophic Cardiomyopathy. Identifiers: MedGen C1861864, MONDO:0007266, OMIM 115195.
Dilated cardiomyopathy 1D. Identifiers: Orphanet 154, Orphanet 54260, MedGen C1832243, MONDO:0011095, OMIM 601494.
Cardiomyopathy, familial restrictive, 3. Identifiers: Orphanet 75249, MedGen C2676271, MONDO:0012900, OMIM 612422.
Hypertrophic cardiomyopathy. Also called: HYPERTROPHIC MYOCARDIOPATHY. Identifiers: Orphanet 217569, MedGen C0007194, MeSH D002312, MONDO:0005045, HP:0001639.

Submissions 1 to 11 of 16:

Labcorp Genetics (formerly Invitae), Labcorp
Classification: Pathogenic for Cardiomyopathy, familial restrictive, 3; Hypertrophic cardiomyopathy 2; Dilated cardiomyopathy 1D. Last evaluated: 2026-02-01. Review status: criteria provided, single submitter. Criteria: Invitae Variant Classification Sherloc (09022015). Collection method: clinical testing. Allele origin: germline.
Comment: This variant, c.487_489del, results in the deletion of 1 amino acid(s) of the TNNT2 protein (p.Glu163del), but otherwise preserves the integrity of the reading frame. This variant is not present in population databases (gnomAD no frequency). This variant has been observed in individuals with hypertrophic cardiomyopathy (HCM) and restricted cardiomyopathy (RCM) (PMID: 7898523, 20624503, 22144547, 22260945, 24792744). It has also been observed to segregate with disease in related individuals. This variant is also known as DeltaE160. ClinVar contains an entry for this variant (Variation ID: 43648). Algorithms developed to predict the effect of variants on gene product structure and function are not available or were not evaluated for this variant. Experimental studies have shown that this variant affects TNNT2 function (PMID: 10731693, 22579624, 24480310, 27036851). For these reasons, this variant has been classified as Pathogenic.

Dasa
Classification: Pathogenic. Last evaluated: 2025-10-30. Review status: criteria provided, single submitter. Criteria: DASA Assertion Criteria. Collection method: clinical testing. Allele origin: germline.
Comment: NM_001276345.2(TNNT2):c.517_519del (p.Glu173del) is an in-frame deletion predicted to remove glutamic acid at protein position 173 without shifting the reading frame. This variant has been reported in individuals with TNNT2-related disorders (PMID: 7898523). Segregation data support an association with disease in the reported family/families (PMID: 7898523). Functional evidence supports an impact on the gene or gene product (PMID: 10731693; PMID: 22579624; PMID: 24480310; PMID: 27036851; PMID: 7898523). Also, this variant is rare in population databases. Based on the currently available evidence, this variant is classified as pathogenic.

PreventionGenetics, part of Exact Sciences
Classification: Pathogenic for TNNT2-related condition. Last evaluated: 2025-10-17. Review status: criteria provided, single submitter. Criteria: ACMG Guidelines, 2015. Collection method: clinical testing. Allele origin: germline.
Comment: The TNNT2 c.487_489delGAG variant is predicted to result in an in-frame deletion (p.Glu163del). This variant has been reported in more than ten unrelated individuals with hypertrophic cardiomyopathy (Watkins et al. 1995. PubMed ID: 7898523; Millat et al. 2010. PubMed ID: 20624503; Maron et al. 2014. PubMed ID: 24792744; Walsh et al. 2017. PubMed ID: 27532257) and two individuals with restrictive cardiomyopathy (Walsh et al. 2012. PubMed ID: 22260945). Functional studies of this variant showed an increase of calcium sensitivity of the myofibrillar ATPase activity, as seen in other pathogenic variants in TNNT2 (Harada et al. 2000. PubMed ID: 10731693; Messer et al. 2016. PubMed ID: 27036851). This variant has been interpreted as pathogenic by multiple laboratories in ClinVar (Variation ID: 43648). Taken together, we classify this variant as pathogenic.

Genesolutions, Medical Genetics Institutes, Ho Chi Minh City, Vietnam
Classification: Likely pathogenic for Hypertrophic cardiomyopathy 2. Last evaluated: 2025-09-24. Review status: criteria provided, single submitter. Criteria: ACMG Guidelines, 2015. Collection method: clinical testing. Allele origin: germline. Affected: yes.

All of Us Research Program, National Institutes of Health
Classification: Pathogenic for Hypertrophic cardiomyopathy. Last evaluated: 2024-01-08. Review status: criteria provided, single submitter. Criteria: ACMG Guidelines, 2015. Collection method: clinical testing. Allele origin: germline. Inheritance: Autosomal dominant inheritance. Observed: 1 variant allele, 1 heterozygote.
Comment: This variant causes an in-frame deletion of one amino acid at exon 11 of the tropomyosin binding domain 1 in the TNNT2 protein. In-vivo functional studies using a transgenic mouse knock-in model have shown that this variant causes a phenotype consistent with hypertrophic cardiomyopathy, including sarcomeric abnormalities, cellular hypertrophy, decreased calcium uptake activity, and myofilament disarray (PMID: 23434821, 24480310, 26714042). Additional in-vitro functional studies using transfected porcine cardiac myofibrils have shown that this variant causes altered troponin affinity and increased calcium sensitivity (PMID: 10731693) . This variant has been reported in over 20 individuals affected with hypertrophic cardiomyopathy (PMID: 7898523, 12707239, 14636924, 20800588, 21835320, 22144547, 24792744, 25611685, 27639548, 28771489, 28790153, 27532257, 31308319, 33029862, 33673806). It has been shown that this variant segregates with disease in multiple affected individuals across multiple families (PMID: 7898523, 14636924). This variant has been reported to occur de novo in one individual affected with hypertrophic cardiomyopathy (PMID: 25611685). This variant has not been identified in the general population by the Genome Aggregation Database (gnomAD). Based on the available evidence, this variant is classified as Pathogenic.

This study involves interpretation of variants in research participants for the purpose of population health screening. Participant phenotype was not available at the time of variant classification. Additional details can be found in publication PMID: 35346344, PMCID: PMC8962531

Blueprint Genetics
Classification: Pathogenic for TNNT2-related disorders. Last evaluated: 2024-01-03. Review status: criteria provided, single submitter. Criteria: ACMG Guidelines, 2015. Collection method: clinical testing. Allele origin: germline. Affected: yes. Observed: 5 variant alleles.

Clinical Genetics Laboratory, Skane University Hospital Lund
Classification: Pathogenic. Last evaluated: 2022-07-13. Review status: criteria provided, single submitter. Criteria: ACMG Guidelines, 2015. Collection method: clinical testing. Allele origin: germline. Affected: yes.

GeneDx
Classification: Pathogenic. Last evaluated: 2022-05-16. Review status: criteria provided, single submitter. Criteria: GeneDx Variant Classification Process June 2021. Collection method: clinical testing. Allele origin: germline. Affected: yes.
Comment: Not observed at significant frequency in large population cohorts (gnomAD); Published functional studies in E. coli demonstrated p.(E163del) (reported as deltaE160) resulted in recombinant troponin with increased calcium ion sensitivity (Messer et al., 2016); Published functional studies using transgenic mice demonstrated that the del160E (c.487_489delGAG) variant leads to cellular hypertrophy and myofilament disarray as well as impairments in contraction, relaxation, and calcium handling (Moore et al., 2013; Moore et al., 2014); In silico analysis supports a deleterious effect on protein structure/function; This variant is associated with the following publications: (PMID: 14654368, 22579624, 22144547, 7898523, 28771489, 12746413, 31589614, 33673806, 33025817, 21835320, 23054336, 20800588, 25558701, 12707239, 20624503, 24480310, 27662471, 27639548, 26688388, 16538283, 27532257, 28214152, 24792744, 26714042, 31006259, 31308319, 31387947, 22260945, 14636924, 11606294, 10731693, 33906374, 23434821, 27036851)

AiLife Diagnostics
Classification: Likely pathogenic. Last evaluated: 2021-05-28. Review status: criteria provided, single submitter. Criteria: ACMG Guidelines, 2015. Collection method: clinical testing. Allele origin: germline. Affected: yes. Observed: 1 variant allele.

Ambry Genetics
Classification: Pathogenic for Cardiovascular phenotype. Last evaluated: 2021-01-28. Review status: criteria provided, single submitter. Criteria: Ambry General Variant Classification Scheme_2022. Collection method: clinical testing. Allele origin: germline. Observed: 1 variant allele.
Comment: The c.487_489delGAG pathogenic mutation (also known as p.E163del) is located in coding exon 10 of the TNNT2 gene. This alteration results from an in-frame deletion of 3 nucleotides at positions 487 to 489, causing the removal of a well-conserved glutamic acid residue at codon 163. Strong segregation of this alteration, also described as &Delta;Glu160, with hypertrophic cardiomyopathy has been demonstrated (Watkins H et al. N Engl J Med. 1995;332(16):1058-64). This alteration has also been detected in patients reported to have restrictive cardiomyopathy (Walsh MA et al. Circ Heart Fail. 2012;5(2):267-73). Additionally, a combination of in vitro and in vivo studies showed disrupted weak electrostatic actomyosin binding in motility assays and severe cardiac remodeling and myofilament disarray in transgenic mice (Moore RK et al. Arch Biochem Biophys. 2014;552-553:21-8). Based on the supporting evidence, this alteration is interpreted as a disease-causing mutation.

Stanford Center for Inherited Cardiovascular Disease, Stanford University
Classification: Pathogenic. Last evaluated: 2017-04-12. Review status: criteria provided, single submitter. Criteria: ACMG Guidelines, 2015. Collection method: provider interpretation. Allele origin: germline.